The following is an entry in ClinVar:

NM_206937.2(LIG4):c.2492C>A (p.Thr831Asn)

Gene: LIG4 (DNA ligase 4; minus strand). Cytogenetic location: 13q33.3.
Variant type: single nucleotide variant.
Coding change: c.2492C>A on transcript NM_206937.2 (MANE Select); coding-DNA position 2492, C replaced by A.
Protein change: p.Thr831Asn; replaces threonine 831 with asparagine.
Molecular consequence: missense variant.
Genome position (GRCh38, 1-based): chr13:108,208,777, G>T on the plus strand (C>A on the coding strand, the complement: LIG4 is on the minus strand). VCF-style: chr13-108208777-G-T. GRCh37 (hg19) VCF-style: chr13-108861125-G-T.
Other names: c.2492C>A, p.Thr831Asn (NM_001098268.2, NM_001352598.2, NM_001352599.2 and 6 more transcripts); c.2291C>A, p.Thr764Asn (NM_001330595.2); c.2528C>A, p.Thr843Asn (NM_001352604.2); short protein forms T843N, T764N, T831N.
Identifiers: ClinVar variation 1522958 (VCV001522958.5), dbSNP rs199526538, ClinGen allele CA388612868.

ClinVar aggregate classification (germline): Uncertain significance (1 of 4 stars; one submission).

Conditions:
DNA ligase IV deficiency. Identifiers: Orphanet 99812, MedGen C1847827, MONDO:0011686, OMIM 606593.

Allele frequency attached by ClinVar (database versions not stated): TOPMed below 0.00001.

Submission:

Labcorp Genetics (formerly Invitae), Labcorp
Classification: Uncertain significance for DNA ligase IV deficiency. Last evaluated: 2021-09-01. Review status: criteria provided, single submitter. Criteria: Invitae Variant Classification Sherloc (09022015). Collection method: clinical testing. Allele origin: germline.
Comment: This sequence change replaces threonine with asparagine at codon 831 of the LIG4 protein (p.Thr831Asn). The threonine residue is weakly conserved and there is a small physicochemical difference between threonine and asparagine. This variant is not present in population databases (ExAC no frequency). This variant has not been reported in the literature in individuals affected with LIG4-related conditions. Algorithms developed to predict the effect of missense changes on protein structure and function (SIFT, PolyPhen-2, Align-GVGD) all suggest that this variant is likely to be tolerated. In summary, the available evidence is currently insufficient to determine the role of this variant in disease. Therefore, it has been classified as a Variant of Uncertain Significance.